The following is an entry in ClinVar:

ClinVar aggregate classification (germline): Conflicting classifications of pathogenicity. Review status: criteria provided, conflicting classifications (1 of 4 stars). 2 submissions from 2 submitters: Uncertain significance (1); Likely benign (1). Last evaluated 2023-12-03.

Conditions:
Cardiovascular phenotype. Identifiers: MedGen CN230736.
Wolman disease (WOLD). Also called: Acid cholesteryl ester hydrolase deficiency, Wolman type; Acid lipase disease; LYSOSOMAL ACID LIPASE DEFICIENCY, ACUTE INFANTILE; LYSOSOMAL ACID LIPASE DEFICIENCY, COMPLETE; LIPA DEFICIENCY, COMPLETE; LAL DEFICIENCY, COMPLETE. Identifiers: Orphanet 75233, MedGen C0043208, MONDO:0019148, OMIM 620151.

Allele frequency attached by ClinVar (database versions not stated): gnomAD exomes 0.00001; TOPMed below 0.00001; ExAC 0.00001.
gnomAD v4.1: 8 of 1,613,044 alleles (0.0005%); highest among the groups gnomAD compares: East Asian, 0.0067%; no homozygotes.

Submissions (2):

Labcorp Genetics (formerly Invitae), Labcorp
Classification: Likely benign for Wolman disease. Last evaluated: 2023-12-03. Review status: criteria provided, single submitter. Criteria: Invitae Variant Classification Sherloc (09022015). Collection method: clinical testing. Allele origin: germline.

Ambry Genetics
Classification: Uncertain significance for Cardiovascular phenotype. Last evaluated: 2023-10-24. Review status: criteria provided, single submitter. Criteria: Ambry Variant Classification Scheme 2023. Collection method: clinical testing. Allele origin: germline.
Comment: The p.V13I variant (also known as c.37G>A), located in coding exon 1 of the LIPA gene, results from a G to A substitution at nucleotide position 37. The valine at codon 13 is replaced by isoleucine, an amino acid with highly similar properties. This amino acid position is conserved. In addition, this alteration is predicted to be tolerated by in silico analysis. Since supporting evidence is limited at this time, the clinical significance of this alteration remains unclear.

NM_000235.4(LIPA):c.37G>A (p.Val13Ile)

Gene: LIPA (lipase A, lysosomal acid type; minus strand). Cytogenetic location: 10q23.31.
Variant type: single nucleotide variant.
Coding change: c.37G>A on transcript NM_000235.4 (MANE Select); coding-DNA position 37, G replaced by A.
Protein change: p.Val13Ile; replaces valine 13 with isoleucine.
Molecular consequence: missense variant. On other transcripts: intron variant (1).
Genome position (GRCh38, 1-based): chr10:89,247,612, C>T on the plus strand (G>A on the coding strand, the complement: LIPA is on the minus strand). VCF-style: chr10-89247612-C-T. GRCh37 (hg19) VCF-style: chr10-91007369-C-T.
Other names: c.37G>A, p.Val13Ile (NM_001127605.3); c.-120+4125G>A (NM_001288979.2); c.37G>A (NM_000235.2); short protein forms V13I.
Identifiers: ClinVar variation 2066487 (VCV002066487.5), dbSNP rs780557919, ClinGen allele CA5593834.